The following is an entry in ClinVar:

NC_000011.9:g.(?_532630)_(532761_?)dup

Gene: HRAS (HRas proto-oncogene, GTPase; minus strand). Cytogenetic location: 11p15.5.
Variant type: Duplication.
Identifiers: ClinVar variation 1047136 (VCV001047136.6).

ClinVar aggregate classification (germline): Uncertain significance (1 of 4 stars; one submission).

Conditions:
Costello syndrome (CSTLO). Also called: HRAS-Related Costello Syndrome; FACIOCUTANEOSKELETAL SYNDROME; FCS SYNDROME. Identifiers: Orphanet 3071, MedGen C0587248, MONDO:0009026, OMIM 218040.

Submission:

Labcorp Genetics (formerly Invitae), Labcorp
Classification: Uncertain significance for Costello syndrome. Last evaluated: 2021-08-12. Review status: criteria provided, single submitter. Criteria: Invitae Variant Classification Sherloc (09022015). Collection method: clinical testing. Allele origin: germline.
Comment: This variant results in a copy number gain of the genomic region encompassing exon(s) 5 of the HRAS gene. This region includes the termination codon of the gene. This copy number gain extends beyond the assayed region for this gene and therefore may encompass additional genes. As the precise location of this event is unknown, it may be in tandem or it may be located elsewhere in the genome. This variant has not been reported in the literature in individuals affected with HRAS-related conditions. In summary, the available evidence is currently insufficient to determine the role of this variant in disease. Therefore, it has been classified as a Variant of Uncertain Significance.